The following is an entry in ClinVar:

ClinVar aggregate classification (germline): Benign (1 of 4 stars; one submission).

Conditions:
Sessile serrated polyposis cancer syndrome (SSPCS). Identifiers: Orphanet 157798, MedGen C4310714, MONDO:0014919, OMIM 617108.

gnomAD v4.1: 1 of 1,612,210 alleles (0.000062%); no homozygotes.

Submission:

Myriad Genetics, Inc.
Classification: Benign for Sessile serrated polyposis cancer syndrome. Last evaluated: 2026-07-02. Review status: criteria provided, single submitter. Criteria: Myriad Autosomal Dominant, Autosomal Recessive and X-Linked Classification Criteria (2023). Collection method: clinical testing. Allele origin: unknown.
Comment: This variant is considered benign. This variant is a silent/synonymous amino acid change and it is not expected to impact splicing.

NM_017763.6(RNF43):c.1611G>A (p.Val537=)

Gene: RNF43 (ring finger protein 43; minus strand). Cytogenetic location: 17q22.
Variant type: single nucleotide variant.
Coding change: c.1611G>A on transcript NM_017763.6 (MANE Select); coding-DNA position 1611, G replaced by A.
Protein change: p.Val537=; no amino-acid change (valine 537 retained).
Molecular consequence: synonymous variant.
Genome position (GRCh38, 1-based): chr17:58,358,165, C>T on the plus strand (G>A on the coding strand, the complement: RNF43 is on the minus strand). VCF-style: chr17-58358165-C-T. GRCh37 (hg19) VCF-style: chr17-56435526-C-T.
Other names: c.1611G>A, p.Val537= (NM_001305544.3, NM_001438820.1, NM_001438821.1 and 1 more transcripts); c.1230G>A, p.Val410= (NM_001305545.2, NM_001437987.1).
Identifiers: ClinVar variation 5042394 (VCV005042394.1).
Genomic context (GRCh38, chr17:58,358,165, plus strand): 5'-GTGGTGGTGCCGGTGGCGGTGGTAGTGGACATGGCTGGAAACCTGGGTTTCCCCTGTGGG[C>T]ACCACCGAGTCCAAGGAACGAGGCCGAGAGGTCACACTAGGCTGCATGTCCACTCGCTGG-3'
Protein context (NP_060233.3, residues 527-547): TSRPRSLDSV[Val537=]PTGETQVSSH